The following is an entry in ClinVar:

NM_021628.3(ALOXE3):c.83G>A (p.Gly28Asp)

Genes: ALOXE3 (arachidonate epidermal lipoxygenase 3; minus strand), LOC126862485 (CDK7 strongly-dependent group 2 enhancer GRCh37_chr17:8020998-8022197; plus strand). Cytogenetic location: 17p13.1.
Variant type: single nucleotide variant.
Coding change: c.83G>A on transcript NM_021628.3 (MANE Select); coding-DNA position 83, G replaced by A.
Protein change: p.Gly28Asp; replaces glycine 28 with aspartic acid.
Molecular consequence: missense variant.
Genome position (GRCh38, 1-based): chr17:8,117,908, C>T on the plus strand (G>A on the coding strand, the complement: ALOXE3 is on the minus strand). VCF-style: chr17-8117908-C-T. GRCh37 (hg19) VCF-style: chr17-8021226-C-T.
Other names: c.479G>A, p.Gly160Asp (NM_001165960.1); c.83G>A, p.Gly28Asp (NM_001369446.1); short protein forms G160D, G28D.
Identifiers: ClinVar variation 4884725 (VCV004884725.1).

ClinVar aggregate classification (germline): Uncertain significance (1 of 4 stars; one submission).

Conditions:
Ichthyosis and erythrokeratoderma.

gnomAD v4.1: 3 of 1,612,186 alleles (0.00019%); highest among the groups gnomAD compares: South Asian, 0.0033%; no homozygotes.

Submission:

Genetics Laboratory, Great Ormond Street Hospital NHS Foundation Trust, North Thames Genomic Laboratory Hub
Classification: Uncertain significance for Ichthyosis and erythrokeratoderma. Last evaluated: 2026-06-18. Review status: criteria provided, single submitter. Criteria: ACGS Best Practice Guidelines for Variant Classification in Rare Disease 2024 v1.2. Collection method: clinical testing. Allele origin: germline. Affected: yes.
Comment: PM2_moderate, PP3_supporting, PM3_supporting